The following is an entry in ClinVar:

ClinVar aggregate classification (germline): Uncertain significance (1 of 4 stars; one submission).

Conditions:
Holoprosencephaly 3 (HPE3). Identifiers: Orphanet 2162, MedGen C1840529, MONDO:0007733, OMIM 142945.

Submission:

Labcorp Genetics (formerly Invitae), Labcorp
Classification: Uncertain significance for Holoprosencephaly 3. Last evaluated: 2023-02-09. Review status: criteria provided, single submitter. Criteria: Invitae Variant Classification Sherloc (09022015). Collection method: clinical testing. Allele origin: germline.
Comment: In summary, the available evidence is currently insufficient to determine the role of this variant in disease. Therefore, it has been classified as a Variant of Uncertain Significance. This sequence change replaces alanine, which is neutral and non-polar, with valine, which is neutral and non-polar, at codon 365 of the SHH protein (p.Ala365Val). This variant is not present in population databases (gnomAD no frequency). This variant has not been reported in the literature in individuals affected with SHH-related conditions. Advanced modeling of protein sequence and biophysical properties (such as structural, functional, and spatial information, amino acid conservation, physicochemical variation, residue mobility, and thermodynamic stability) performed at Invitae indicates that this missense variant is expected to disrupt SHH protein function.

NM_000193.4(SHH):c.1094C>T (p.Ala365Val)

Gene: SHH (sonic hedgehog signaling molecule; minus strand). Cytogenetic location: 7q36.3.
Variant type: single nucleotide variant.
Coding change: c.1094C>T on transcript NM_000193.4 (MANE Select); coding-DNA position 1094, C replaced by T.
Protein change: p.Ala365Val; replaces alanine 365 with valine.
Molecular consequence: missense variant. On other transcripts: intron variant (1).
Genome position (GRCh38, 1-based): chr7:155,803,195, G>A on the plus strand (C>T on the coding strand, the complement: SHH is on the minus strand). VCF-style: chr7-155803195-G-A. GRCh37 (hg19) VCF-style: chr7-155595889-G-A.
Other names: c.302-2950C>T (NM_001310462.2); short protein forms A365V.
Identifiers: ClinVar variation 2835904 (VCV002835904.3), dbSNP rs2117126331, ClinGen allele CA370145117.